The following is an entry in ClinVar:

ClinVar aggregate classification (germline): Uncertain significance (1 of 4 stars; one submission).

Conditions:
Amelocerebrohypohidrotic syndrome (KTZS). Also called: EPILEPSY AND YELLOW TEETH; EPILEPSY, DEMENTIA, AND AMELOGENESIS IMPERFECTA; KOHLSCHUTTER SYNDROME; Kohlschutter's syndrome. Identifiers: Orphanet 1946, MedGen C0406740, MONDO:0009185, OMIM 226750.

Submission:

Labcorp Genetics (formerly Invitae), Labcorp
Classification: Uncertain significance for Amelocerebrohypohidrotic syndrome. Last evaluated: 2022-07-12. Review status: criteria provided, single submitter. Criteria: Invitae Variant Classification Sherloc (09022015). Collection method: clinical testing. Allele origin: germline.
Comment: This sequence change replaces aspartic acid, which is acidic and polar, with glutamic acid, which is acidic and polar, at codon 69 of the ROGDI protein (p.Asp69Glu). This variant is present in population databases (no rsID available, gnomAD no frequency). This variant has not been reported in the literature in individuals affected with ROGDI-related conditions. ClinVar contains an entry for this variant (Variation ID: 578322). Algorithms developed to predict the effect of missense changes on protein structure and function (SIFT, PolyPhen-2, Align-GVGD) all suggest that this variant is likely to be disruptive. In summary, the available evidence is currently insufficient to determine the role of this variant in disease. Therefore, it has been classified as a Variant of Uncertain Significance.

NM_024589.3(ROGDI):c.207C>A (p.Asp69Glu)

Gene: ROGDI (rogdi atypical leucine zipper; minus strand). Cytogenetic location: 16p13.3.
Variant type: single nucleotide variant.
Coding change: c.207C>A on transcript NM_024589.3 (MANE Select); coding-DNA position 207, C replaced by A.
Protein change: p.Asp69Glu; replaces aspartic acid 69 with glutamic acid.
Molecular consequence: missense variant.
Genome position (GRCh38, 1-based): chr16:4,801,315, G>T on the plus strand (C>A on the coding strand, the complement: ROGDI is on the minus strand). VCF-style: chr16-4801315-G-T. GRCh37 (hg19) VCF-style: chr16-4851316-G-T.
Other names: short protein forms D69E.
Identifiers: ClinVar variation 578322 (VCV000578322.6), dbSNP rs977378578, ClinGen allele CA277141444.